The following is an entry in ClinVar:

NM_017617.5(NOTCH1):c.4136C>T (p.Thr1379Met)

Gene: NOTCH1 (notch receptor 1; minus strand). Cytogenetic location: 9q34.3.
Variant type: single nucleotide variant.
Coding change: c.4136C>T on transcript NM_017617.5 (MANE Select); coding-DNA position 4136, C replaced by T.
Protein change: p.Thr1379Met; replaces threonine 1379 with methionine.
Molecular consequence: missense variant.
Genome position (GRCh38, 1-based): chr9:136,505,760, G>A on the plus strand (C>T on the coding strand, the complement: NOTCH1 is on the minus strand). VCF-style: chr9-136505760-G-A. GRCh37 (hg19) VCF-style: chr9-139400212-G-A.
Other names: short protein forms T1379M.
Identifiers: ClinVar variation 950236 (VCV000950236.10), dbSNP rs764123906, ClinGen allele CA201645137.

ClinVar aggregate classification (germline): Conflicting classifications of pathogenicity. Review status: criteria provided, conflicting classifications (1 of 4 stars). 4 submissions from 4 submitters: Uncertain significance (1); Likely benign (3). Last evaluated 2026-08-06.

Conditions:
Adams-Oliver syndrome 5 (AOS5). Identifiers: Orphanet 974, MedGen C4014970, MONDO:0014459, OMIM 616028.
Aortic valve disease 1 (AOVD1). Identifiers: MedGen C3887892, MONDO:0024523, OMIM 109730.

Allele frequency attached by ClinVar (database versions not stated): gnomAD 0.00001; TOPMed 0.00002.
gnomAD v4.1: 18 of 1,586,482 alleles (0.0011%); highest among the groups gnomAD compares: East Asian, 0.009%; no homozygotes.

Submissions (4):

OLLIN Analises Genomicas, OLLIN
Classification: Uncertain significance for Aortic valve disease 1. Last evaluated: 2026-08-06. Review status: criteria provided, single submitter. Criteria: ACMG Guidelines 2015 PMID 25741868. Collection method: clinical testing. Allele origin: germline. Inheritance: Autosomal dominant inheritance.
Comment: This missense variant, located in exon 25 (of 34), has been reported in ClinVar (accession VCV000950236.8) and in gnomAD with an allele frequency of 0.0011%. However, to our knowledge, it has not been reported in the scientific literature. In silico analysis is inconclusive regarding the impact of this variant. According to the currently available evidence, this variant has been classified as uncertain significance (BS1).

CeGaT Center for Human Genetics Tuebingen
Classification: Likely benign. Last evaluated: 2026-07-01. Review status: criteria provided, single submitter. Criteria: CeGaT Center For Human Genetics Tuebingen Variant Classification Criteria Version 2. Collection method: clinical testing. Allele origin: germline. Affected: yes. Observed: 1 variant allele.
Comment: NOTCH1: BS1

Labcorp Genetics (formerly Invitae), Labcorp
Classification: Likely benign for Adams-Oliver syndrome 5. Last evaluated: 2026-01-20. Review status: criteria provided, single submitter. Criteria: Invitae Variant Classification Sherloc (09022015). Collection method: clinical testing. Allele origin: germline.

Women's Health and Genetics/Laboratory Corporation of America, LabCorp
Classification: Likely benign. Last evaluated: 2025-03-14. Review status: criteria provided, single submitter. Criteria: LabCorp Variant Classification Summary - May 2015. Collection method: clinical testing. Allele origin: germline.
Comment: Variant summary: NOTCH1 c.4136C>T (p.Thr1379Met) results in a non-conservative amino acid change in the encoded protein sequence. Three of four in-silico tools predict a damaging effect of the variant on protein function. The variant allele was found at a frequency of 1.1e-05 in 1586482 control chromosomes. The observed variant frequency is approximately 18.15 fold of the estimated maximal expected allele frequency for a pathogenic variant in NOTCH1 causing Adams-Oliver Syndrome 5 phenotype (6.3e-07). To our knowledge, no occurrence of c.4136C>T in individuals affected with Adams-Oliver Syndrome 5 and no experimental evidence demonstrating its impact on protein function have been reported. ClinVar contains an entry for this variant (Variation ID: 950236). Based on the evidence outlined above, the variant was classified as likely benign.